The following is an entry in ClinVar:

ClinVar aggregate classification (germline): Pathogenic (1 of 4 stars; one submission).

Conditions:
Glycogen storage disease, type II (IOPD). Also called: CARDIOMEGALIA GLYCOGENICA DIFFUSA; GLYCOGENOSIS, GENERALIZED, CARDIAC FORM; GSD II; Glycogen storage disease type 2; Acid maltase deficiency disease; Aglucosidase alfa. Identifiers: Orphanet 365, MedGen C0017921, MONDO:0009290, OMIM 232300.

Submission:

Labcorp Genetics (formerly Invitae), Labcorp
Classification: Pathogenic for Glycogen storage disease, type II. Last evaluated: 2023-10-11. Review status: criteria provided, single submitter. Criteria: Invitae Variant Classification Sherloc (09022015). Collection method: clinical testing. Allele origin: unknown.
Comment: This variant is a gross deletion of the genomic region encompassing exon(s) 4-8 of the GAA gene. This deletion is out-of-frame, and is expected to create a premature termination codon and result in an absent or disrupted protein product. Loss-of-function variants in GAA are known to be pathogenic (PMID: 18425781, 22252923). This variant has not been reported in the literature in individuals affected with GAA-related conditions. For these reasons, this variant has been classified as Pathogenic.

Literature cited by the submitters: PubMed 18425781; PubMed 22252923.

NC_000017.10:g.(?_78079696)_(78082725_?)del

Gene: GAA (alpha glucosidase; plus strand). Cytogenetic location: 17q25.3.
Variant type: Deletion.
Identifiers: ClinVar variation 3242835 (VCV003242835.1).